The following is an entry in ClinVar:

ClinVar aggregate classification (germline): Uncertain significance (1 of 4 stars; one submission).

Conditions:
Leber congenital amaurosis 6 (LCA6). Identifiers: Orphanet 65, MedGen C1854260, MONDO:0013446, OMIM 613826.
Cone-rod dystrophy 13 (CORD13). Identifiers: Orphanet 1872, MedGen C2750720, MONDO:0011987, OMIM 608194.

Allele frequency attached by ClinVar (database versions not stated): gnomAD exomes below 0.00001 and 0.00001; ExAC 0.00001; TOPMed 0.00002.
gnomAD v4.1: 5 of 1,613,988 alleles (0.00031%); highest among the groups gnomAD compares: Admixed American, 0.0033%; no homozygotes.

Submission:

Labcorp Genetics (formerly Invitae), Labcorp
Classification: Uncertain significance for Leber congenital amaurosis 6; Cone-rod dystrophy 13. Last evaluated: 2022-11-28. Review status: criteria provided, single submitter. Criteria: Invitae Variant Classification Sherloc (09022015). Collection method: clinical testing. Allele origin: germline.
Comment: In summary, the available evidence is currently insufficient to determine the role of this variant in disease. Therefore, it has been classified as a Variant of Uncertain Significance. Advanced modeling of protein sequence and biophysical properties (such as structural, functional, and spatial information, amino acid conservation, physicochemical variation, residue mobility, and thermodynamic stability) performed at Invitae indicates that this missense variant is not expected to disrupt RPGRIP1 protein function. ClinVar contains an entry for this variant (Variation ID: 1056370). This variant has not been reported in the literature in individuals affected with RPGRIP1-related conditions. This variant is present in population databases (rs766603726, gnomAD 0.006%). This sequence change replaces lysine, which is basic and polar, with threonine, which is neutral and polar, at codon 243 of the RPGRIP1 protein (p.Lys243Thr).

NM_020366.4(RPGRIP1):c.728A>C (p.Lys243Thr)

Gene: RPGRIP1 (RPGR interacting protein 1; plus strand). Cytogenetic location: 14q11.2.
Variant type: single nucleotide variant.
Coding change: c.728A>C on transcript NM_020366.4 (MANE Select); coding-DNA position 728, A replaced by C.
Protein change: p.Lys243Thr; replaces lysine 243 with threonine.
Molecular consequence: missense variant.
Genome position (GRCh38, 1-based): chr14:21,303,471, A>C. VCF-style: chr14-21303471-A-C. GRCh37 (hg19) VCF-style: chr14-21771630-A-C.
Other names: short protein forms K243T.
Identifiers: ClinVar variation 1056370 (VCV001056370.7), dbSNP rs766603726, ClinGen allele CA7088737.